The following is an entry in ClinVar:

ClinVar aggregate classification (germline): Pathogenic (1 of 4 stars; one submission).

Conditions:
Familial ovarian cancer. Identifiers: MedGen C5679802, MONDO:0016248.

Submission:

Myriad Genetics, Inc.
Classification: Pathogenic for Familial ovarian cancer. Last evaluated: 2026-08-12. Review status: criteria provided, single submitter. Criteria: Myriad Autosomal Dominant, Autosomal Recessive and X-Linked Classification Criteria (2023). Collection method: clinical testing. Allele origin: unknown.
Comment: This variant is considered pathogenic. This variant creates a termination codon and is predicted to result in premature protein truncation.

NM_032043.3(BRIP1):c.1739C>A (p.Ser580Ter)

Gene: BRIP1 (BRCA1 interacting DNA helicase 1; minus strand). Cytogenetic location: 17q23.2.
Variant type: single nucleotide variant.
Coding change: c.1739C>A on transcript NM_032043.3 (MANE Select); coding-DNA position 1739, C replaced by A.
Protein change: p.Ser580Ter; replaces serine 580 with a stop codon.
Molecular consequence: nonsense.
Genome position (GRCh38, 1-based): chr17:61,780,895, G>T on the plus strand (C>A on the coding strand, the complement: BRIP1 is on the minus strand). VCF-style: chr17-61780895-G-T. GRCh37 (hg19) VCF-style: chr17-59858256-G-T.
Other names: short protein forms S580*.
Identifiers: ClinVar variation 5042071 (VCV005042071.1).